The following is an entry in ClinVar:

NM_024675.4(PALB2):c.326del (p.Pro109fs)

Gene: PALB2 (partner and localizer of BRCA2; minus strand). Cytogenetic location: 16p12.2.
Variant type: Deletion.
Coding change: c.326del on transcript NM_024675.4 (MANE Select); coding-DNA position 326, one base deleted (C; older notation c.326delC).
Protein change: p.Pro109fs; shifts the reading frame from proline 109.
Molecular consequence: frameshift variant.
Genome position (GRCh38, 1-based): chr16:23,636,220, G deleted on the plus strand (C on the coding strand, the reverse complement: PALB2 is on the minus strand); the first of 3 consecutive G bases (chr16:23,636,220-23,636,222); deleting any one gives the same sequence. VCF-style (leftmost placement, unchanged base first): chr16-23636219-AG-A. GRCh37 (hg19) VCF-style: chr16-23647540-AG-A.
Other names: short protein forms P109fs.
Identifiers: ClinVar variation 1454478 (VCV001454478.13), dbSNP rs2142445986, ClinGen allele CA2573152320.

ClinVar aggregate classification (germline): Pathogenic. Review status: criteria provided, multiple submitters, no conflicts (2 of 4 stars). 4 submissions from 4 submitters: Pathogenic (4). Last evaluated 2024-11-13.

Conditions:
Hereditary cancer-predisposing syndrome. Also called: Tumor predisposition; Neoplastic Syndromes, Hereditary; Hereditary Cancer Syndrome; Hereditary neoplastic syndrome. Identifiers: Orphanet 140162, MedGen C0027672, MeSH D009386, MONDO:0015356.
Familial cancer of breast. Also called: Hereditary breast cancer; hereditary breast carcinoma; BREAST CANCER, FAMILIAL. Identifiers: Orphanet 227535, MedGen C0346153, MONDO:0016419, OMIM 114480. Disease mechanism: loss of function.

Submissions (4):

Labcorp Genetics (formerly Invitae), Labcorp
Classification: Pathogenic for Familial cancer of breast. Last evaluated: 2024-11-13. Review status: criteria provided, single submitter. Criteria: Invitae Variant Classification Sherloc (09022015). Collection method: clinical testing. Allele origin: germline.
Comment: This sequence change creates a premature translational stop signal (p.Pro109Leufs*68) in the PALB2 gene. It is expected to result in an absent or disrupted protein product. Loss-of-function variants in PALB2 are known to be pathogenic (PMID: 17200668, 17200671, 17200672, 24136930, 25099575). This variant is not present in population databases (gnomAD no frequency). This variant has not been reported in the literature in individuals affected with PALB2-related conditions. ClinVar contains an entry for this variant (Variation ID: 1454478). For these reasons, this variant has been classified as Pathogenic.

Ambry Genetics
Classification: Pathogenic for Hereditary cancer-predisposing syndrome. Last evaluated: 2024-09-29. Review status: criteria provided, single submitter. Criteria: Ambry Variant Classification Scheme 2023. Collection method: clinical testing. Allele origin: germline.
Comment: The c.326delC pathogenic mutation, located in coding exon 4 of the PALB2 gene, results from a deletion of one nucleotide at nucleotide position 326, causing a translational frameshift with a predicted alternate stop codon (p.P109Lfs*68). This alteration is expected to result in loss of function by premature protein truncation or nonsense-mediated mRNA decay. As such, this alteration is interpreted as a disease-causing mutation.

Myriad Genetics, Inc.
Classification: Pathogenic for Familial cancer of breast. Last evaluated: 2023-09-06. Review status: criteria provided, single submitter. Criteria: Myriad Autosomal Dominant, Autosomal Recessive and X-Linked Classification Criteria (2023). Collection method: clinical testing. Allele origin: unknown.
Comment: This variant is considered pathogenic. This variant creates a frameshift predicted to result in premature protein truncation.

Color Diagnostics, LLC DBA Color Health
Classification: Pathogenic for Hereditary cancer-predisposing syndrome. Last evaluated: 2021-09-20. Review status: criteria provided, single submitter. Criteria: ACMG Guidelines, 2015. Collection method: clinical testing. Allele origin: germline.
Comment: This variant deletes 1 nucleotide in exon 4 of the PALB2 gene, creating a frameshift and premature translation stop signal. This variant is expected to result in an absent or non-functional protein product. To our knowledge, this variant has not been reported in individuals affected with hereditary cancer in the literature. This variant has not been identified in the general population by the Genome Aggregation Database (gnomAD). Loss of PALB2 function is a known mechanism of disease. Based on the available evidence, this variant is classified as Pathogenic.

Literature cited by the submitters: PubMed 17200668 (cited by Labcorp Genetics (formerly Invitae), Labcorp); PubMed 17200671 (cited by Labcorp Genetics (formerly Invitae), Labcorp); PubMed 17200672 (cited by Labcorp Genetics (formerly Invitae), Labcorp); PubMed 24136930 (cited by Labcorp Genetics (formerly Invitae), Labcorp); PubMed 25099575 (cited by Labcorp Genetics (formerly Invitae), Labcorp).